The following is an entry in ClinVar:

NM_000388.4(CASR):c.1629C>A (p.Ser543Arg)

Gene: CASR (calcium sensing receptor; plus strand). Cytogenetic location: 3q21.1.
Variant type: single nucleotide variant.
Coding change: c.1629C>A on transcript NM_000388.4 (MANE Select); coding-DNA position 1629, C replaced by A.
Protein change: p.Ser543Arg; replaces serine 543 with arginine.
Molecular consequence: missense variant.
Genome position (GRCh38, 1-based): chr3:122,282,133, C>A. VCF-style: chr3-122282133-C-A. GRCh37 (hg19) VCF-style: chr3-122000980-C-A.
Other names: c.1659C>A, p.Ser553Arg (NM_001178065.2); short protein forms S553R, S543R.
Identifiers: ClinVar variation 4784896 (VCV004784896.1).
Genomic context (GRCh38, chr3:122,282,133, plus strand): 5'-ACAACTACAGCCACTCACCTTTGTGCTGTCTGTCCTCCAGGTGCCCTTCTCCAACTGCAG[C>A]CGAGACTGCCTGGCAGGGACCAGGAAAGGGATCATTGAGGGGGAGCCCACCTGCTGCTTT-3'
Protein context (NP_000379.3, residues 533-553): FSREVPFSNC[Ser543Arg]RDCLAGTRKG

ClinVar aggregate classification (germline): Uncertain significance (1 of 4 stars; one submission).

Conditions:
Autosomal dominant hypocalcemia 1 (HYPOC1). Also called: HYPOCALCEMIA, FAMILIAL. Identifiers: MedGen C3715128, MONDO:0011013, OMIM 601198.
Familial hypocalciuric hypercalcemia (FHH). Also called: Familial benign hypercalcemia. Identifiers: Orphanet 405, MedGen C1809471, MONDO:0018458.

Submission:

Labcorp Genetics (formerly Invitae), Labcorp
Classification: Uncertain significance for Familial hypocalciuric hypercalcemia; Autosomal dominant hypocalcemia 1. Last evaluated: 2026-01-25. Review status: criteria provided, single submitter. Criteria: Invitae Variant Classification Sherloc (09022015). Collection method: clinical testing. Allele origin: germline.
Comment: This sequence change replaces serine, which is neutral and polar, with arginine, which is basic and polar, at codon 543 of the CASR protein (p.Ser543Arg). This variant is not present in population databases (gnomAD no frequency). This variant has not been reported in the literature in individuals affected with CASR-related conditions. An algorithm developed to predict the effect of missense changes on protein structure and function (PolyPhen-2) suggests that this variant is likely to be disruptive. In summary, the available evidence is currently insufficient to determine the role of this variant in disease. Therefore, it has been classified as a Variant of Uncertain Significance.